The following is an entry in ClinVar:

NM_001142800.2(EYS):c.9238_9239del (p.Asn3080fs)

Genes: EYS (EGF-like photoreceptor maintenance factor; minus strand), PHF3 (PHD finger protein 3; plus strand). Cytogenetic location: 6q12.
Variant type: Deletion.
Coding change: c.9238_9239del on transcript NM_001142800.2 (MANE Select); coding-DNA positions 9238 to 9239, 2 bases deleted (AA; older notation c.9238_9239delAA).
Protein change: p.Asn3080fs; shifts the reading frame from asparagine 3080.
Molecular consequence: frameshift variant. On other transcripts: 3 prime UTR variant (5).
Genome position (GRCh38, 1-based): chr6:63,720,792-63,720,793, TT deleted on the plus strand (AA on the coding strand, the reverse complement: EYS is on the minus strand); deleting any 2 consecutive bases within chr6:63,720,792-63,720,794 gives the same sequence; the c. name uses the placement nearest the transcript's 3' end. VCF-style (leftmost placement, unchanged base first): chr6-63720791-GTT-G. GRCh37 (hg19) VCF-style: chr6-64430687-GTT-G.
Other names: c.*7085_*7086del (NM_001290259.2, NM_001370348.2, NM_001370349.2 and 2 more transcripts); c.9301_9302del, p.Asn3101fs (NM_001292009.2); short protein forms N3101fs, N3080fs.
Identifiers: ClinVar variation 1392226 (VCV001392226.9), dbSNP rs2149623736, ClinGen allele CA2573141291.

ClinVar aggregate classification (germline): Pathogenic/Likely pathogenic. Review status: criteria provided, multiple submitters, no conflicts (2 of 4 stars). 2 submissions from 2 submitters: Pathogenic (1); Likely pathogenic (1). Last evaluated 2024-02-07.

Conditions:
Retinitis pigmentosa 25 (RP25). Identifiers: Orphanet 791, MedGen C1864446, MONDO:0011272, OMIM 602772.

Submissions (2):

Baylor Genetics
Classification: Likely pathogenic for Retinitis pigmentosa 25. Last evaluated: 2024-02-07. Review status: criteria provided, single submitter. Criteria: ACMG Guidelines, 2015. Collection method: clinical testing. Allele origin: unknown.

Labcorp Genetics (formerly Invitae), Labcorp
Classification: Pathogenic. Last evaluated: 2021-04-27. Review status: criteria provided, single submitter. Criteria: Invitae Variant Classification Sherloc (09022015). Collection method: clinical testing. Allele origin: germline.
Comment: This variant disrupts the C-terminus of the EYS protein. Other variant(s) that disrupt this region (p.Tyr3135*) have been determined to be pathogenic (PMID: 18976725, 31074760, 29159838, 30337596). This suggests that variants that disrupt this region of the protein are likely to be causative of disease. This variant has not been reported in the literature in individuals with EYS-related conditions. This variant is not present in population databases (ExAC no frequency). This sequence change creates a premature translational stop signal (p.Asn3080Leufs*2) in the EYS gene. While this is not anticipated to result in nonsense mediated decay, it is expected to disrupt the last 65 amino acid(s) of the EYS protein. For these reasons, this variant has been classified as Pathogenic.

Literature cited by the submitters: PubMed 18976725 (cited by Labcorp Genetics (formerly Invitae), Labcorp); PubMed 31074760 (cited by Labcorp Genetics (formerly Invitae), Labcorp); PubMed 29159838 (cited by Labcorp Genetics (formerly Invitae), Labcorp); PubMed 30337596 (cited by Labcorp Genetics (formerly Invitae), Labcorp).